The following is an entry in ClinVar:

NM_000285.4(PEPD):c.806A>T (p.Asn269Ile)

Gene: PEPD (peptidase D; minus strand). Cytogenetic location: 19q13.11.
Variant type: single nucleotide variant.
Coding change: c.806A>T on transcript NM_000285.4 (MANE Select); coding-DNA position 806, A replaced by T.
Protein change: p.Asn269Ile; replaces asparagine 269 with isoleucine.
Molecular consequence: missense variant.
Genome position (GRCh38, 1-based): chr19:33,411,684, T>A on the plus strand (A>T on the coding strand, the complement: PEPD is on the minus strand). VCF-style: chr19-33411684-T-A. GRCh37 (hg19) VCF-style: chr19-33902590-T-A.
Other names: c.683A>T, p.Asn228Ile (NM_001166056.2); c.614A>T, p.Asn205Ile (NM_001166057.2); short protein forms N205I, N228I, N269I.
Identifiers: ClinVar variation 3654715 (VCV003654715.2).

ClinVar aggregate classification (germline): Uncertain significance (1 of 4 stars; one submission).

Submission:

Labcorp Genetics (formerly Invitae), Labcorp
Classification: Uncertain significance. Last evaluated: 2024-11-27. Review status: criteria provided, single submitter. Criteria: Invitae Variant Classification Sherloc (09022015). Collection method: clinical testing. Allele origin: germline.
Comment: This sequence change replaces asparagine, which is neutral and polar, with isoleucine, which is neutral and non-polar, at codon 269 of the PEPD protein (p.Asn269Ile). This variant is not present in population databases (gnomAD no frequency). This variant has not been reported in the literature in individuals affected with PEPD-related conditions. Invitae Evidence Modeling of protein sequence and biophysical properties (such as structural, functional, and spatial information, amino acid conservation, physicochemical variation, residue mobility, and thermodynamic stability) indicates that this missense variant is not expected to disrupt PEPD protein function with a negative predictive value of 95%. In summary, the available evidence is currently insufficient to determine the role of this variant in disease. Therefore, it has been classified as a Variant of Uncertain Significance.